The following is an entry in ClinVar:

ClinVar aggregate classification (germline): Uncertain significance. Review status: criteria provided, multiple submitters, no conflicts (2 of 4 stars). 2 submissions from 2 submitters: Uncertain significance (2). Last evaluated 2024-10-25.

Conditions:
CFTR-related disorder (CFTR-RD). Also called: CFTR-related disorders; CFTR-related condition. Identifiers: MedGen C5924204, MONDO:7770004.

Submissions (2):

PreventionGenetics, part of Exact Sciences
Classification: Uncertain significance for CFTR-related condition. Last evaluated: 2024-10-25. Review status: criteria provided, single submitter. Criteria: ACMG Guidelines, 2015. Collection method: clinical testing. Allele origin: germline.
Comment: The CFTR c.4105C>G variant is predicted to result in the amino acid substitution p.Leu1369Val. To our knowledge, this variant has not been reported in the literature or in a large population database (gnomAD), indicating this variant is rare. At this time, the clinical significance of this variant is uncertain due to the absence of conclusive functional and genetic evidence.

Quest Diagnostics Nichols Institute San Juan Capistrano
Classification: Uncertain significance. Last evaluated: 2020-01-09. Review status: criteria provided, single submitter. Criteria: Quest Diagnostics criteria. Collection method: clinical testing. Allele origin: unknown.

NM_000492.4(CFTR):c.4105C>G (p.Leu1369Val)

Gene: CFTR (CF transmembrane conductance regulator; plus strand). Cytogenetic location: 7q31.2.
Variant type: single nucleotide variant.
Coding change: c.4105C>G on transcript NM_000492.4 (MANE Select); coding-DNA position 4105, C replaced by G.
Protein change: p.Leu1369Val; replaces leucine 1369 with valine.
Molecular consequence: missense variant.
Genome position (GRCh38, 1-based): chr7:117,664,829, C>G. VCF-style: chr7-117664829-C-G. GRCh37 (hg19) VCF-style: chr7-117304883-C-G.
Other names: short protein forms L1369V.
Identifiers: ClinVar variation 993061 (VCV000993061.2), dbSNP rs767002769, ClinGen allele CA368982903.
Genomic context (GRCh38, chr7:117,664,829, plus strand): 5'-GGCCACAAGCAGTTGATGTGCTTGGCTAGATCTGTTCTCAGTAAGGCGAAGATCTTGCTG[C>G]TTGATGAACCCAGTGCTCATTTGGATCCAGTGTGAGTTTCAGATGTTCTGTTACTTAATA-3'
Protein context (NP_000483.3, residues 1359-1379): SVLSKAKILL[Leu1369Val]DEPSAHLDPV